The following is an entry in ClinVar:

NM_183357.3(ADCY5):c.1836C>A (p.Asn612Lys)

Gene: ADCY5 (adenylate cyclase 5; minus strand). Cytogenetic location: 3q21.1.
Variant type: single nucleotide variant.
Coding change: c.1836C>A on transcript NM_183357.3 (MANE Select); coding-DNA position 1836, C replaced by A.
Protein change: p.Asn612Lys; replaces asparagine 612 with lysine.
Molecular consequence: missense variant.
Genome position (GRCh38, 1-based): chr3:123,327,729, G>T on the plus strand (C>A on the coding strand, the complement: ADCY5 is on the minus strand). VCF-style: chr3-123327729-G-T. GRCh37 (hg19) VCF-style: chr3-123046576-G-T.
Other names: c.786C>A, p.Asn262Lys (NM_001199642.1); c.1836C>A, p.Asn612Lys (NM_001378259.1); short protein forms N262K, N612K.
Identifiers: ClinVar variation 4281841 (VCV004281841.1).
Genomic context (GRCh38, chr3:123,327,729, plus strand): 5'-GAGGTAGGCGTTGCGCTCGCCCCCACAGCCTGGCTCCACCTCGTAGTCCCCATTCAGGTA[G>T]TTGAGTGTAGCCTTGGTGATGTGGATGCGTCTACAGGGGGGCAGGGATCAGGGTGGAGAG-3'
Protein context (NP_899200.1, residues 602-622): GRIHITKATL[Asn612Lys]YLNGDYEVEP

ClinVar aggregate classification (germline): Uncertain significance (1 of 4 stars; one submission).

Submission:

GeneDx
Classification: Uncertain significance. Last evaluated: 2025-04-11. Review status: criteria provided, single submitter. Criteria: GeneDx Variant Classification Process June 2021. Collection method: clinical testing. Allele origin: germline. Affected: yes.
Comment: Not observed at significant frequency in large population cohorts (gnomAD); In silico analysis indicates that this missense variant does not alter protein structure/function; Has not been previously published as pathogenic or benign to our knowledge